The following is an entry in ClinVar:

NM_001191057.4(PDE1C):c.1978C>T (p.Arg660Cys)

Gene: PDE1C (phosphodiesterase 1C; minus strand). Cytogenetic location: 7p14.3.
Variant type: single nucleotide variant.
Coding change: c.1978C>T on transcript NM_001191057.4 (MANE Select); coding-DNA position 1978, C replaced by T.
Protein change: p.Arg660Cys; replaces arginine 660 with cysteine.
Molecular consequence: missense variant.
Genome position (GRCh38, 1-based): chr7:31,753,536, G>A on the plus strand (C>T on the coding strand, the complement: PDE1C is on the minus strand). VCF-style: chr7-31753536-G-A. GRCh37 (hg19) VCF-style: chr7-31793150-G-A.
Other names: c.2158C>T, p.Arg720Cys (NM_001191058.4); c.1978C>T, p.Arg660Cys (NM_001191059.4, NM_001322055.2); short protein forms R660C, R720C.
Identifiers: ClinVar variation 4989252 (VCV004989252.1).

ClinVar aggregate classification (germline): Uncertain significance (1 of 4 stars; one submission).

Conditions:
PDE1C-related disorder. Also called: PDE1C-related condition.

gnomAD v4.1: 11 of 1,610,082 alleles (0.00068%); highest among the groups gnomAD compares: Admixed American, 0.0084%; no homozygotes.

Submission:

PreventionGenetics, part of Exact Sciences
Classification: Uncertain significance for PDE1C-related condition. Last evaluated: 2026-03-25. Review status: criteria provided, single submitter. Criteria: ACMG Guidelines, 2015. Collection method: clinical testing. Allele origin: germline.
Comment: The PDE1C c.2158C>T variant is predicted to result in the amino acid substitution p.Arg720Cys. To our knowledge, this variant has not been reported in the literature. This variant is reported in 0.0060% of alleles in individuals of Latino descent in gnomAD. At this time, the clinical significance of this variant is uncertain due to the absence of conclusive functional and genetic evidence.